The following is an entry in ClinVar:

ClinVar aggregate classification (germline): Likely benign (1 of 4 stars; one submission).

Allele frequency attached by ClinVar (database versions not stated): 1000 Genomes Project 0.00060; ExAC 0.00063; ESP Exome Variant Server 0.00066; TOPMed 0.00076; gnomAD 0.00079; 1000 Genomes Project 30x 0.00094; gnomAD exomes 0.00126.
gnomAD v4.1: 1,851 of 1,551,634 alleles (0.12%); highest among the groups gnomAD compares: Non-Finnish European, 0.15%; 1 homozygote.

Submission:

CeGaT Center for Human Genetics Tuebingen
Classification: Likely benign. Last evaluated: 2026-03-01. Review status: criteria provided, single submitter. Criteria: CeGaT Center For Human Genetics Tuebingen Variant Classification Criteria Version 2. Collection method: clinical testing. Allele origin: germline. Affected: yes. Observed: 2 variant alleles.
Comment: DNAH6: BP4, BP7

NM_001370.2(DNAH6):c.7707T>C (p.Arg2569=)

Gene: DNAH6 (dynein axonemal heavy chain 6; plus strand). Cytogenetic location: 2p11.2.
Variant type: single nucleotide variant.
Coding change: c.7707T>C on transcript NM_001370.2 (MANE Select); coding-DNA position 7707, T replaced by C.
Protein change: p.Arg2569=; no amino-acid change (arginine 2569 retained).
Molecular consequence: synonymous variant.
Genome position (GRCh38, 1-based): chr2:84,699,623, T>C. VCF-style: chr2-84699623-T-C. GRCh37 (hg19) VCF-style: chr2-84926747-T-C.
Identifiers: ClinVar variation 2651089 (VCV002651089.24), dbSNP rs113665519, ClinGen allele CA1737455.